The following is an entry in ClinVar:

NM_004822.3(NTN1):c.730G>A (p.Ala244Thr)

Gene: NTN1 (netrin 1; plus strand). Cytogenetic location: 17p13.1.
Variant type: single nucleotide variant.
Coding change: c.730G>A on transcript NM_004822.3 (MANE Select); coding-DNA position 730, G replaced by A.
Protein change: p.Ala244Thr; replaces alanine 244 with threonine.
Molecular consequence: missense variant.
Genome position (GRCh38, 1-based): chr17:9,023,103, G>A. VCF-style: chr17-9023103-G-A. GRCh37 (hg19) VCF-style: chr17-8926420-G-A.
Other names: short protein forms A244T.
Identifiers: ClinVar variation 2633488 (VCV002633488.1), dbSNP rs868503729, ClinGen allele CA287741732.

ClinVar aggregate classification (germline): Uncertain significance (1 of 4 stars; one submission).

Conditions:
NTN1-related disorder. Also called: NTN1-related condition.

Allele frequency attached by ClinVar (database versions not stated): gnomAD exomes below 0.00001; TOPMed 0.00001.

Submission:

PreventionGenetics, part of Exact Sciences
Classification: Uncertain significance for NTN1-related condition. Last evaluated: 2023-04-02. Review status: criteria provided, single submitter. Criteria: ACMG Guidelines, 2015. Collection method: clinical testing. Allele origin: germline.
Comment: The NTN1 c.730G>A variant is predicted to result in the amino acid substitution p.Ala244Thr. To our knowledge, this variant has not been reported in the literature or in a large population database, indicating this variant is rare. At this time, the clinical significance of this variant is uncertain due to the absence of conclusive functional and genetic evidence.